The following is an entry in ClinVar:

NM_021076.4(NEFH):c.855C>A (p.Ser285Arg)

Gene: NEFH (neurofilament heavy chain; plus strand). Cytogenetic location: 22q12.2.
Variant type: single nucleotide variant.
Coding change: c.855C>A on transcript NM_021076.4 (MANE Select); coding-DNA position 855, C replaced by A.
Protein change: p.Ser285Arg; replaces serine 285 with arginine.
Molecular consequence: missense variant.
Genome position (GRCh38, 1-based): chr22:29,481,117, C>A. VCF-style: chr22-29481117-C-A. GRCh37 (hg19) VCF-style: chr22-29877106-C-A.
Other names: short protein forms S285R.
Identifiers: ClinVar variation 2138427 (VCV002138427.4), dbSNP rs1479105421, ClinGen allele CA411124247.

ClinVar aggregate classification (germline): Uncertain significance (1 of 4 stars; one submission).

Allele frequency attached by ClinVar (database versions not stated): gnomAD exomes 0.00005.
gnomAD v4.1: 27 of 1,530,960 alleles (0.0018%); highest among the groups gnomAD compares: East Asian, 0.066%; no homozygotes.

Submission:

Labcorp Genetics (formerly Invitae), Labcorp
Classification: Uncertain significance. Last evaluated: 2022-09-14. Review status: criteria provided, single submitter. Criteria: Invitae Variant Classification Sherloc (09022015). Collection method: clinical testing. Allele origin: germline.
Comment: In summary, the available evidence is currently insufficient to determine the role of this variant in disease. Therefore, it has been classified as a Variant of Uncertain Significance. This sequence change replaces serine, which is neutral and polar, with arginine, which is basic and polar, at codon 285 of the NEFH protein (p.Ser285Arg). This variant is present in population databases (no rsID available, gnomAD 0.04%). This missense change has been observed in individual(s) with amyotrophic lateral sclerosis (PMID: 26742954). Advanced modeling of protein sequence and biophysical properties (such as structural, functional, and spatial information, amino acid conservation, physicochemical variation, residue mobility, and thermodynamic stability) performed at Invitae indicates that this missense variant is not expected to disrupt NEFH protein function.

Literature cited by the submitters: PubMed 26742954.